The following is an entry in ClinVar:

NM_004006.3(DMD):c.1704+1G>T

Gene: DMD (dystrophin; minus strand). Cytogenetic location: Xp21.1.
Variant type: single nucleotide variant.
Coding change: c.1704+1G>T on transcript NM_004006.3 (MANE Select); the canonical splice donor site of the intron after coding-DNA position 1704, G replaced by T.
Molecular consequence: splice donor variant.
Genome position (GRCh38, 1-based): chrX:32,573,744, C>A on the plus strand (G>T on the coding strand, the complement: DMD is on the minus strand). VCF-style: chrX-32573744-C-A. GRCh37 (hg19) VCF-style: chrX-32591861-C-A.
Other names: c.1680+1G>T (NM_000109.4); c.1692+1G>T (NM_004009.3); c.1335+1G>T (NM_004010.3).
Identifiers: ClinVar variation 1322507 (VCV001322507.7), dbSNP rs794727123, ClinGen allele CA412673313.

ClinVar aggregate classification (germline): Pathogenic. Review status: criteria provided, multiple submitters, no conflicts (2 of 4 stars). 2 submissions from 2 submitters: Pathogenic (2). Last evaluated 2022-12-16.

Conditions:
Becker muscular dystrophy (BMD). Also called: MUSCULAR DYSTROPHY, PSEUDOHYPERTROPHIC PROGRESSIVE, BECKER TYPE; Becker Muscular Dystrophy (BMD). Identifiers: Orphanet 98895, MedGen C0917713, MONDO:0010311, OMIM 300376.
Duchenne muscular dystrophy (DMD). Also called: MUSCULAR DYSTROPHY, PSEUDOHYPERTROPHIC PROGRESSIVE, DUCHENNE TYPE; Duchenne Muscular Dystrophy (DMD). Identifiers: Orphanet 98896, MedGen C0013264, MONDO:0010679, OMIM 310200.

Submissions (2):

Laboratory of Medical Genetics, National & Kapodistrian University of Athens
Classification: Pathogenic for Becker muscular dystrophy. Last evaluated: 2022-12-16. Review status: criteria provided, single submitter. Criteria: ACMG Guidelines, 2015. Collection method: clinical testing. Allele origin: germline. Affected: yes.
Comment: PVS1, PM2, PP5

Labcorp Genetics (formerly Invitae), Labcorp
Classification: Pathogenic for Duchenne muscular dystrophy. Last evaluated: 2022-03-02. Review status: criteria provided, single submitter. Criteria: Invitae Variant Classification Sherloc (09022015). Collection method: clinical testing. Allele origin: germline.
Comment: This sequence change affects a donor splice site in intron 14 of the DMD gene. It is expected to disrupt RNA splicing. Variants that disrupt the donor or acceptor splice site typically lead to a loss of protein function (PMID: 16199547), and loss-of-function variants in DMD are known to be pathogenic (PMID: 16770791, 25007885). For these reasons, this variant has been classified as Pathogenic. Algorithms developed to predict the effect of sequence changes on RNA splicing suggest that this variant may disrupt the consensus splice site. ClinVar contains an entry for this variant (Variation ID: 1322507). Disruption of this splice site has been observed in individual(s) with Duchenne or Becker muscular dystrophy (PMID: 27363342). This variant is not present in population databases (gnomAD no frequency).

Literature cited by the submitters: PubMed 16199547 (cited by Labcorp Genetics (formerly Invitae), Labcorp); PubMed 16770791 (cited by Labcorp Genetics (formerly Invitae), Labcorp); PubMed 25007885 (cited by Labcorp Genetics (formerly Invitae), Labcorp); PubMed 27363342 (cited by Labcorp Genetics (formerly Invitae), Labcorp).